The following is an entry in ClinVar:

ClinVar aggregate classification (germline): Uncertain significance (1 of 4 stars; one submission).

Conditions:
Inborn genetic diseases. Identifiers: MedGen C0950123, MeSH D030342.

gnomAD v4.1: 1 of 1,614,128 alleles (0.000062%); highest among the groups gnomAD compares: Non-Finnish European, 0.000085%; no homozygotes.

Submission:

Ambry Genetics
Classification: Uncertain significance for Inborn genetic diseases. Last evaluated: 2021-08-26. Review status: criteria provided, single submitter. Criteria: Ambry Variant Classification Scheme 2023. Collection method: clinical testing. Allele origin: germline.
Comment: The p.V494L variant (also known as c.1480G>C), located in coding exon 9 of the NPC1 gene, results from a G to C substitution at nucleotide position 1480. The valine at codon 494 is replaced by leucine, an amino acid with highly similar properties. This amino acid position is conserved. In addition, this alteration is predicted to be tolerated by in silico analysis. Since supporting evidence is limited at this time, the clinical significance of this alteration remains unclear.

NM_000271.5(NPC1):c.1480G>C (p.Val494Leu)

Gene: NPC1 (NPC intracellular cholesterol transporter 1; minus strand). Cytogenetic location: 18q11.2.
Variant type: single nucleotide variant.
Coding change: c.1480G>C on transcript NM_000271.5 (MANE Select); coding-DNA position 1480, G replaced by C.
Protein change: p.Val494Leu; replaces valine 494 with leucine.
Molecular consequence: missense variant.
Genome position (GRCh38, 1-based): chr18:23,554,831, C>G on the plus strand (G>C on the coding strand, the complement: NPC1 is on the minus strand). VCF-style: chr18-23554831-C-G. GRCh37 (hg19) VCF-style: chr18-21134795-C-G.
Other names: short protein forms V494L.
Identifiers: ClinVar variation 1773562 (VCV001773562.2), dbSNP rs199812609, ClinGen allele CA401775582.